The following is an entry in ClinVar:

ClinVar aggregate classification (germline): Uncertain significance (1 of 4 stars; one submission).

Allele frequency attached by ClinVar (database versions not stated): gnomAD exomes below 0.00001.
gnomAD v4.1: 5 of 1,614,016 alleles (0.00031%); highest among the groups gnomAD compares: South Asian, 0.0033%; no homozygotes.

Submission:

GeneDx
Classification: Uncertain significance. Last evaluated: 2020-10-02. Review status: criteria provided, single submitter. Criteria: GeneDx Variant Classification Process June 2021. Collection method: clinical testing. Allele origin: germline. Affected: yes.
Comment: Not observed at a significant frequency in large population cohorts (Lek et al., 2016); In silico analysis supports that this missense variant has a deleterious effect on protein structure/function; Has not been previously published as pathogenic or benign to our knowledge

NM_020754.4(ARHGAP31):c.29T>C (p.Leu10Pro)

Gene: ARHGAP31 (Rho GTPase activating protein 31; plus strand). Cytogenetic location: 3q13.32.
Variant type: single nucleotide variant.
Coding change: c.29T>C on transcript NM_020754.4 (MANE Select); coding-DNA position 29, T replaced by C.
Protein change: p.Leu10Pro; replaces leucine 10 with proline.
Molecular consequence: missense variant.
Genome position (GRCh38, 1-based): chr3:119,294,933, T>C. VCF-style: chr3-119294933-T-C. GRCh37 (hg19) VCF-style: chr3-119013780-T-C.
Other names: short protein forms L10P.
Identifiers: ClinVar variation 452136 (VCV000452136.4), dbSNP rs1227931818, ClinGen allele CA354348793.